The following is an entry in ClinVar:

ClinVar aggregate classification (germline): Benign/Likely benign. Review status: criteria provided, multiple submitters, no conflicts (2 of 4 stars). 4 submissions from 4 submitters: Benign (1); Likely benign (3). Last evaluated 2025-11-11.

Conditions:
Hereditary cancer-predisposing syndrome. Also called: Neoplastic Syndromes, Hereditary; Tumor predisposition; Hereditary Cancer Syndrome; Hereditary neoplastic syndrome. Identifiers: Orphanet 140162, MedGen C0027672, MeSH D009386, MONDO:0015356.
Tuberous sclerosis 2 (TSC2). Identifiers: Orphanet 805, MedGen C1860707, MONDO:0013199, OMIM 613254.

Allele frequency attached by ClinVar (database versions not stated): gnomAD exomes 0.00001; ExAC 0.00003.
gnomAD v4.1: 1 of 1,612,968 alleles (0.000062%); highest among the groups gnomAD compares: Admixed American, 0.0017%; no homozygotes.

Submissions (4):

Labcorp Genetics (formerly Invitae), Labcorp
Classification: Likely benign for Tuberous sclerosis 2. Last evaluated: 2025-11-11. Review status: criteria provided, single submitter. Criteria: Invitae Variant Classification Sherloc (09022015). Collection method: clinical testing. Allele origin: germline.

Myriad Genetics, Inc.
Classification: Benign for Tuberous sclerosis 2. Last evaluated: 2025-05-29. Review status: criteria provided, single submitter. Criteria: Myriad Autosomal Dominant, Autosomal Recessive and X-Linked Classification Criteria (2023). Collection method: clinical testing. Allele origin: unknown.
Comment: This variant is considered benign. This variant is a silent/synonymous amino acid change and it is not expected to impact splicing.

Ambry Genetics
Classification: Likely benign for Hereditary cancer-predisposing syndrome. Last evaluated: 2024-09-26. Review status: criteria provided, single submitter. Criteria: Ambry Variant Classification Scheme 2023. Collection method: clinical testing. Allele origin: germline.

Sema4
Classification: Likely benign for Hereditary cancer-predisposing syndrome. Last evaluated: 2021-08-02. Review status: criteria provided, single submitter. Criteria: Sema4 Curation Guidelines. Collection method: curation. Allele origin: germline.

NM_000548.5(TSC2):c.3480T>G (p.Thr1160=)

Gene: TSC2 (TSC complex subunit 2; plus strand). Cytogenetic location: 16p13.3.
Variant type: single nucleotide variant.
Coding change: c.3480T>G on transcript NM_000548.5 (MANE Select); coding-DNA position 3480, T replaced by G.
Protein change: p.Thr1160=; no amino-acid change (threonine 1160 retained).
Molecular consequence: synonymous variant.
Genome position (GRCh38, 1-based): chr16:2,080,247, T>G. VCF-style: chr16-2080247-T-G. GRCh37 (hg19) VCF-style: chr16-2130248-T-G.
Other names: c.3348T>G, p.Thr1116= (NM_001077183.3, NM_001370404.1); c.3480T>G, p.Thr1160= (NM_001114382.3); c.3240T>G, p.Thr1080= (NM_001318827.2); c.3204T>G, p.Thr1068= (NM_001318829.2); c.2748T>G, p.Thr916= (NM_001318831.2); c.3381T>G, p.Thr1127= (NM_001318832.2); c.3351T>G, p.Thr1117= (NM_001363528.2, NM_001370405.1, NM_021055.3).
Identifiers: ClinVar variation 536069 (VCV000536069.14), dbSNP rs766888262, ClinGen allele CA047055.
Genomic context (GRCh38, chr16:2,080,247, plus strand): 5'-CGCCCTGGACGTGCCGGCCTCCCAGTTCCTGGGCAGTGCCACTTCTCCAGGACCACGGAC[T>G]GCACCAGCCGCGAAACCTGAGAAGGCCTCAGCTGGCACCCGGGTTCCTGTGCAGGAGAAG-3'
Protein context (NP_000539.2, residues 1150-1170): LGSATSPGPR[Thr1160=]APAAKPEKAS